The following is an entry in ClinVar:

ClinVar aggregate classification (germline): Conflicting classifications of pathogenicity. Review status: criteria provided, conflicting classifications (1 of 4 stars). 2 submissions from 2 submitters: Likely pathogenic (1); Uncertain significance (1). Last evaluated 2025-11-05.

Conditions:
Early-onset generalized limb-onset dystonia. Also called: DYSTONIA 1, TORSION, AUTOSOMAL DOMINANT; DYSTONIA MUSCULORUM DEFORMANS 1; Oppenheim's dystonia; Early onset torsion dystonia; Dystonia 1, modifier of; DYT1 Early-Onset Primary Dystonia. Identifiers: Orphanet 256, MedGen C1851945, MONDO:0007492, OMIM 128100.
Arthrogryposis multiplex congenita 5. Identifiers: MedGen C5436453, MONDO:0100218, OMIM 618947.

gnomAD v4.1: 1 of 1,614,034 alleles (0.000062%); no homozygotes.

Submissions (2):

3billion
Classification: Uncertain significance for Early-onset generalized limb-onset dystonia. Last evaluated: 2025-11-05. Review status: criteria provided, single submitter. Criteria: ACMG Guidelines, 2015. Collection method: clinical testing. Allele origin: germline. Affected: yes.
Comment: The variant is observed at an extremely low frequency in the gnomAD v4.1.0 dataset (total allele frequency: <0.001%). Predicted Consequence/Location: Missense variant In silico tool predictions suggest damaging effect of the variant on gene or gene product [REVEL: 0.69 (>=0.6, sensitivity 0.68 and specificity 0.92); 3Cnet: 0.94 (> 0.75, sensitivity 0.96 and precision 0.92)]. Different missense changes at the same codon have been reported as of uncertain significance (ClinVar ID: VCV003377891). Therefore, this variant is classified as VUS according to the recommendation of ACMG/AMP guideline.

Juno Genomics, Hangzhou Juno Genomics, Inc
Classification: Likely pathogenic for Arthrogryposis multiplex congenita 5. Review status: criteria provided, single submitter. Criteria: ACMG Guidelines, 2015. Collection method: clinical testing. Allele origin: germline. Affected: yes.
Comment: Absent from controls (or at extremely low frequency if recessive) in Genome Aggregation Database.;Multiple lines of computational evidence support a deleterious effect on the gene or gene product.;For recessive disorders, detected in trans with a pathogenic variant.;Co-segregation with disease in multiple affected family members.;Patient's phenotype or family history is highly specific for a disease with a single genetic etiology.;Located in a mutational hot spot and/or critical and well-established functional domain without benign variation.

NM_000113.3(TOR1A):c.503T>C (p.Ile168Thr)

Gene: TOR1A (torsin family 1 member A; minus strand). Cytogenetic location: 9q34.11.
Variant type: single nucleotide variant.
Coding change: c.503T>C on transcript NM_000113.3 (MANE Select); coding-DNA position 503, T replaced by C.
Protein change: p.Ile168Thr; replaces isoleucine 168 with threonine.
Molecular consequence: missense variant.
Genome position (GRCh38, 1-based): chr9:129,818,862, A>G on the plus strand (T>C on the coding strand, the complement: TOR1A is on the minus strand). VCF-style: chr9-129818862-A-G. GRCh37 (hg19) VCF-style: chr9-132581141-A-G.
Other names: short protein forms I168T.
Identifiers: ClinVar variation 4854831 (VCV004854831.2).